The following is an entry in ClinVar:

NM_031844.3(HNRNPU):c.158T>C (p.Met53Thr)

Gene: HNRNPU (heterogeneous nuclear ribonucleoprotein U; minus strand). Cytogenetic location: 1q44.
Variant type: single nucleotide variant.
Coding change: c.158T>C on transcript NM_031844.3 (MANE Select); coding-DNA position 158, T replaced by C.
Protein change: p.Met53Thr; replaces methionine 53 with threonine.
Molecular consequence: missense variant.
Genome position (GRCh38, 1-based): chr1:244,864,150, A>G on the plus strand (T>C on the coding strand, the complement: HNRNPU is on the minus strand). VCF-style: chr1-244864150-A-G. GRCh37 (hg19) VCF-style: chr1-245027452-A-G.
Other names: c.158T>C, p.Met53Thr (NM_004501.3); short protein forms M53T.
Identifiers: ClinVar variation 2430790 (VCV002430790.1), dbSNP rs2527896077, ClinGen allele CA345497890.
Genomic context (GRCh38, chr1:244,864,150, plus strand): 5'-CCTGCTCCCGAGCGCCCAGCGGAATCCCCGCCCAGGTCTAGGCTGCCGTTCCCGGGCTCC[A>G]TGGCGGGGCGGCCCCCGGCCTCCTCGTCGTCCAGCGCAGCCTGGAGTCGCTCCATGAGCT-3'
Protein context (NP_114032.2, residues 43-63): DDEEAGGRPA[Met53Thr]EPGNGSLDLG

ClinVar aggregate classification (germline): Uncertain significance (1 of 4 stars; one submission).

Submission:

GeneDx
Classification: Uncertain significance. Last evaluated: 2022-08-22. Review status: criteria provided, single submitter. Criteria: GeneDx Variant Classification Process June 2021. Collection method: clinical testing. Allele origin: germline. Affected: yes.
Comment: Not observed at significant frequency in large population cohorts (gnomAD); In silico analysis supports that this missense variant does not alter protein structure/function; Has not been previously published as pathogenic or benign to our knowledge